The following is an entry in ClinVar:

ClinVar aggregate classification (germline): Uncertain significance. Review status: criteria provided, multiple submitters, no conflicts (2 of 4 stars). 2 submissions from 2 submitters: Uncertain significance (2). Last evaluated 2025-02-04.

Allele frequency attached by ClinVar (database versions not stated): gnomAD exomes below 0.00001.

Submissions (2):

Mayo Clinic Laboratories, Mayo Clinic
Classification: Uncertain significance. Last evaluated: 2025-02-04. Review status: criteria provided, single submitter. Criteria: ACMG Guidelines, 2015. Collection method: clinical testing. Allele origin: germline. Observed: 2 variant alleles.
Comment: PP3_moderate, PM2_supporting, PS4_moderate

Athena Diagnostics
Classification: Uncertain significance. Last evaluated: 2016-08-26. Review status: criteria provided, single submitter. Criteria: Athena Diagnostics Criteria. Collection method: clinical testing. Allele origin: germline.

Literature cited by the submitters: PubMed 14506936 (cited by Mayo Clinic Laboratories, Mayo Clinic and Athena Diagnostics); PubMed 20577002 (cited by Mayo Clinic Laboratories, Mayo Clinic and Athena Diagnostics); PubMed 23280792 (cited by Mayo Clinic Laboratories, Mayo Clinic and Athena Diagnostics); PubMed 29033165 (cited by Mayo Clinic Laboratories, Mayo Clinic); PubMed 33785574 (cited by Mayo Clinic Laboratories, Mayo Clinic); PubMed 38767482 (cited by Mayo Clinic Laboratories, Mayo Clinic); PubMed 39502740 (cited by Mayo Clinic Laboratories, Mayo Clinic).

NM_000454.5(SOD1):c.355G>C (p.Val119Leu)

Gene: SOD1 (superoxide dismutase 1; plus strand). Cytogenetic location: 21q22.11.
Variant type: single nucleotide variant.
Coding change: c.355G>C on transcript NM_000454.5 (MANE Select); coding-DNA position 355, G replaced by C.
Protein change: p.Val119Leu; replaces valine 119 with leucine.
Molecular consequence: missense variant.
Genome position (GRCh38, 1-based): chr21:31,667,373, G>C. VCF-style: chr21-31667373-G-C. GRCh37 (hg19) VCF-style: chr21-33039686-G-C.
Other names: short protein forms V119L.
Identifiers: ClinVar variation 448436 (VCV000448436.2), dbSNP rs1235629842, ClinGen allele CA410037605.